The following is an entry in ClinVar:

ClinVar aggregate classification (germline): Pathogenic (1 of 4 stars; one submission).

Conditions:
Hereditary nonpolyposis colorectal neoplasms. Identifiers: MedGen C0009405, MeSH D003123.

Submission:

Labcorp Genetics (formerly Invitae), Labcorp
Classification: Pathogenic for Hereditary nonpolyposis colorectal neoplasms. Last evaluated: 2025-02-27. Review status: criteria provided, single submitter. Criteria: Invitae Variant Classification Sherloc (09022015). Collection method: clinical testing. Allele origin: germline.
Comment: This sequence change creates a premature translational stop signal (p.Lys1288Serfs*38) in the MSH6 gene. While this is not anticipated to result in nonsense mediated decay, it is expected to disrupt the last 73 amino acid(s) of the MSH6 protein. This variant is not present in population databases (gnomAD no frequency). This variant has not been reported in the literature in individuals affected with MSH6-related conditions. This variant disrupts a region of the MSH6 protein in which other variant(s) (p.Arg1334Serfs*7) have been determined to be pathogenic (external communication). This suggests that this is a clinically significant region of the protein, and that variants that disrupt it are likely to be disease-causing. For these reasons, this variant has been classified as Pathogenic.

NM_000179.3(MSH6):c.3862_3865del (p.Lys1288fs)

Gene: MSH6 (mutS homolog 6; plus strand). Cytogenetic location: 2p16.3.
Variant type: Deletion.
Coding change: c.3862_3865del on transcript NM_000179.3 (MANE Select); coding-DNA positions 3862 to 3865, 4 bases deleted (AAAT; older notation c.3862_3865delAAAT).
Protein change: p.Lys1288fs; shifts the reading frame from lysine 1288.
Molecular consequence: frameshift variant. On other transcripts: non-coding transcript variant (5), intron variant (1).
Genome position (GRCh38, 1-based): chr2:47,806,512-47,806,515, AAAT deleted; deleting any 4 consecutive bases within chr2:47,806,510-47,806,515 gives the same sequence; the c. name uses the placement nearest the transcript's 3' end. VCF-style (leftmost placement, unchanged base first): chr2-47806509-TATAA-T. GRCh37 (hg19) VCF-style: chr2-48033648-TATAA-T.
Other names: c.3472_3475del, p.Lys1158fs (NM_001281492.2); c.2956_2959del, p.Lys986fs (NM_001281493.2, NM_001281494.2, NM_001406811.1 and 6 more transcripts); c.3958_3961del, p.Lys1320fs (NM_001406795.1); c.3862_3865del, p.Lys1288fs (NM_001406796.1, NM_001406808.1, NM_001406809.1); c.3565_3568del, p.Lys1189fs (NM_001406797.1, NM_001406801.1, NM_001406805.1 and 10 more transcripts); c.3688_3691del, p.Lys1230fs (NM_001406798.1); c.3337_3340del, p.Lys1113fs (NM_001406799.1, NM_001406806.1, NM_001406807.1); c.3849_3852del, p.Asn1284fs (NM_001406800.1); and 9 more; short protein forms K1189fs, K1232fs, K986fs, K1000fs, K1158fs, K1262fs, K1288fs, K215fs.
Identifiers: ClinVar variation 4714013 (VCV004714013.1).